The following is an entry in ClinVar:

ClinVar aggregate classification (germline): Uncertain significance. Review status: criteria provided, multiple submitters, no conflicts (2 of 4 stars). 2 submissions from 2 submitters: Uncertain significance (2). Last evaluated 2025-01-14.

Conditions:
Mosaic variegated aneuploidy syndrome 2 (MVA2). Identifiers: Orphanet 1052, MedGen C3279843, MONDO:0013582, OMIM 614114.
Inborn genetic diseases. Identifiers: MedGen C0950123, MeSH D030342.

Allele frequency attached by ClinVar (database versions not stated): gnomAD exomes below 0.00001; gnomAD 0.00001; TOPMed 0.00001.
gnomAD v4.1: 7 of 1,614,012 alleles (0.00043%); highest among the groups gnomAD compares: African/African-American, 0.0013%; no homozygotes.

Submissions (2):

Ambry Genetics
Classification: Uncertain significance for Inborn genetic diseases. Last evaluated: 2025-01-14. Review status: criteria provided, single submitter. Criteria: Ambry Variant Classification Scheme 2023. Collection method: clinical testing. Allele origin: germline.
Comment: The p.A9V variant (also known as c.26C>T), located in coding exon 1 of the CEP57 gene, results from a C to T substitution at nucleotide position 26. The alanine at codon 9 is replaced by valine, an amino acid with similar properties. This amino acid position is conserved. In addition, this alteration is predicted to be tolerated by in silico analysis. Based on the available evidence, the clinical significance of this variant remains unclear.

Labcorp Genetics (formerly Invitae), Labcorp
Classification: Uncertain significance for Mosaic variegated aneuploidy syndrome 2. Last evaluated: 2022-03-08. Review status: criteria provided, single submitter. Criteria: Invitae Variant Classification Sherloc (09022015). Collection method: clinical testing. Allele origin: germline.
Comment: This sequence change replaces alanine, which is neutral and non-polar, with valine, which is neutral and non-polar, at codon 9 of the CEP57 protein (p.Ala9Val). Algorithms developed to predict the effect of missense changes on protein structure and function are either unavailable or do not agree on the potential impact of this missense change (SIFT: "Deleterious"; PolyPhen-2: "Not Available"; Align-GVGD: "Class C0"). ClinVar contains an entry for this variant (Variation ID: 539589). This variant has not been reported in the literature in individuals affected with CEP57-related conditions. This variant is present in population databases (no rsID available, gnomAD 0.007%). In summary, the available evidence is currently insufficient to determine the role of this variant in disease. Therefore, it has been classified as a Variant of Uncertain Significance.

NM_014679.5(CEP57):c.26C>T (p.Ala9Val)

Genes: CEP57 (centrosomal protein 57; plus strand), LOC130006618 (ATAC-STARR-seq lymphoblastoid active region 5417; plus strand). Cytogenetic location: 11q21.
Variant type: single nucleotide variant.
Coding change: c.26C>T on transcript NM_014679.5 (MANE Select); coding-DNA position 26, C replaced by T.
Protein change: p.Ala9Val; replaces alanine 9 with valine.
Molecular consequence: missense variant. On other transcripts: 5 prime UTR variant (2).
Genome position (GRCh38, 1-based): chr11:95,790,724, C>T. VCF-style: chr11-95790724-C-T. GRCh37 (hg19) VCF-style: chr11-95523888-C-T.
Other names: c.-46C>T (NM_001243776.2); c.26C>T, p.Ala9Val (NM_001243777.2); c.-369C>T (NM_001363604.2); short protein forms A9V.
Identifiers: ClinVar variation 539589 (VCV000539589.10), dbSNP rs1171650821, ClinGen allele CA382413126.